The following is an entry in ClinVar:

NM_001710.6(CFB):c.1949G>A (p.Gly650Glu)

Gene: CFB (complement factor B; plus strand). Cytogenetic location: 6p21.33.
Variant type: single nucleotide variant.
Coding change: c.1949G>A on transcript NM_001710.6 (MANE Select); coding-DNA position 1949, G replaced by A.
Protein change: p.Gly650Glu; replaces glycine 650 with glutamic acid.
Molecular consequence: missense variant.
Genome position (GRCh38, 1-based): chr6:31,951,237, G>A. VCF-style: chr6-31951237-G-A. GRCh37 (hg19) VCF-style: chr6-31919014-G-A.
Other names: short protein forms G650E.
Identifiers: ClinVar variation 1723692 (VCV001723692.2), dbSNP rs2482712965, ClinGen allele CA363411520.

ClinVar aggregate classification (germline): Uncertain significance (1 of 4 stars; one submission).

Submission:

GeneDx
Classification: Uncertain significance. Last evaluated: 2022-05-08. Review status: criteria provided, single submitter. Criteria: GeneDx Variant Classification Process June 2021. Collection method: clinical testing. Allele origin: germline. Affected: yes.
Comment: Not observed at significant frequency in large population cohorts (gnomAD); In silico analysis supports that this missense variant has a deleterious effect on protein structure/function; Has not been previously published as pathogenic or benign to our knowledge